The following is an entry in ClinVar:

NM_015311.3(OBSL1):c.1084T>C (p.Cys362Arg)

Gene: OBSL1 (obscurin like cytoskeletal adaptor 1; minus strand). Cytogenetic location: 2q35.
Variant type: single nucleotide variant.
Coding change: c.1084T>C on transcript NM_015311.3 (MANE Select); coding-DNA position 1084, T replaced by C.
Protein change: p.Cys362Arg; replaces cysteine 362 with arginine.
Molecular consequence: missense variant.
Genome position (GRCh38, 1-based): chr2:219,568,253, A>G on the plus strand (T>C on the coding strand, the complement: OBSL1 is on the minus strand). VCF-style: chr2-219568253-A-G. GRCh37 (hg19) VCF-style: chr2-220432975-A-G.
Other names: c.1084T>C, p.Cys362Arg (NM_001173408.2, NM_001173431.2); short protein forms C362R.
Identifiers: ClinVar variation 5018897 (VCV005018897.2).

ClinVar aggregate classification (germline): Uncertain significance (1 of 4 stars; one submission).

Conditions:
3M syndrome 2. Also called: 3-M Syndrome, OBSL1-Related; THREE M SYNDROME 2. Identifiers: Orphanet 2616, MedGen C2752041, MONDO:0013039, OMIM 612921.

Submission:

Juno Genomics, Hangzhou Juno Genomics, Inc
Classification: Uncertain significance for 3M syndrome 2. Review status: criteria provided, single submitter. Criteria: ACMG Guidelines, 2015. Collection method: clinical testing. Allele origin: germline.
Comment: Absent from controls (or at extremely low frequency if recessive) in Genome Aggregation Database.